The following is an entry in ClinVar:

NM_001079843.3(CASZ1):c.3929C>T (p.Ser1310Phe)

Gene: CASZ1 (castor zinc finger 1; minus strand). Cytogenetic location: 1p36.22.
Variant type: single nucleotide variant.
Coding change: c.3929C>T on transcript NM_001079843.3 (MANE Select); coding-DNA position 3929, C replaced by T.
Protein change: p.Ser1310Phe; replaces serine 1310 with phenylalanine.
Molecular consequence: missense variant.
Genome position (GRCh38, 1-based): chr1:10,643,251, G>A on the plus strand (C>T on the coding strand, the complement: CASZ1 is on the minus strand). VCF-style: chr1-10643251-G-A. GRCh37 (hg19) VCF-style: chr1-10703308-G-A.
Other names: short protein forms S1310F.
Identifiers: ClinVar variation 2636557 (VCV002636557.2), dbSNP rs1325785507, ClinGen allele CA338351647.

ClinVar aggregate classification (germline): Uncertain significance (1 of 4 stars; one submission).

Conditions:
CASZ1-related disorder. Also called: CASZ1-related condition.

Allele frequency attached by ClinVar (database versions not stated): TOPMed below 0.00001; gnomAD 0.00001.
gnomAD v4.1: 1 of 1,613,098 alleles (0.000062%); highest among the groups gnomAD compares: Non-Finnish European, 0.000085%; no homozygotes.

Submission:

PreventionGenetics, part of Exact Sciences
Classification: Uncertain significance for CASZ1-related condition. Last evaluated: 2025-02-05. Review status: criteria provided, single submitter. Criteria: ACMG Guidelines, 2015. Collection method: clinical testing. Allele origin: germline.
Comment: The CASZ1 c.3929C>T variant is predicted to result in the amino acid substitution p.Ser1310Phe. To our knowledge, this variant has not been reported in the literature or in a large population database, indicating this variant is rare. At this time, the clinical significance of this variant is uncertain due to the absence of conclusive functional and genetic evidence.